The following is an entry in ClinVar:

NM_017763.6(RNF43):c.905G>A (p.Trp302Ter)

Gene: RNF43 (ring finger protein 43; minus strand). Cytogenetic location: 17q22.
Variant type: single nucleotide variant.
Coding change: c.905G>A on transcript NM_017763.6 (MANE Select); coding-DNA position 905, G replaced by A.
Protein change: p.Trp302Ter; replaces tryptophan 302 with a stop codon.
Molecular consequence: nonsense.
Genome position (GRCh38, 1-based): chr17:58,360,196, C>T on the plus strand (G>A on the coding strand, the complement: RNF43 is on the minus strand). VCF-style: chr17-58360196-C-T. GRCh37 (hg19) VCF-style: chr17-56437557-C-T.
Other names: c.905G>A, p.Trp302Ter (NM_001305544.3); c.524G>A, p.Trp175Ter (NM_001305545.2); short protein forms W175*, W302*.
Identifiers: ClinVar variation 1436059 (VCV001436059.6), dbSNP rs2143439493, ClinGen allele CA400333403.

ClinVar aggregate classification (germline): Uncertain significance (1 of 4 stars; one submission).

Submission:

Labcorp Genetics (formerly Invitae), Labcorp
Classification: Uncertain significance. Last evaluated: 2021-07-24. Review status: criteria provided, single submitter. Criteria: Invitae Variant Classification Sherloc (09022015). Collection method: clinical testing. Allele origin: germline.
Comment: In summary, the available evidence is currently insufficient to determine the role of this variant in disease. Therefore, it has been classified as a Variant of Uncertain Significance. Algorithms developed to predict the effect of sequence changes on RNA splicing suggest that this variant may create or strengthen a splice site. This variant has not been reported in the literature in individuals affected with RNF43-related conditions. This variant is not present in population databases (ExAC no frequency). This sequence change creates a premature translational stop signal (p.Trp302*) in the RNF43 gene. It is expected to result in an absent or disrupted protein product. However, the current clinical and genetic evidence is not sufficient to establish whether loss-of-function variants in RNF43 cause disease.